The following is an entry in ClinVar:

NM_000057.4(BLM):c.570G>C (p.Lys190Asn)

Gene: BLM (BLM RecQ like helicase; plus strand). Cytogenetic location: 15q26.1.
Variant type: single nucleotide variant.
Coding change: c.570G>C on transcript NM_000057.4 (MANE Select); coding-DNA position 570, G replaced by C.
Protein change: p.Lys190Asn; replaces lysine 190 with asparagine.
Molecular consequence: missense variant. On other transcripts: 5 prime UTR variant (1).
Genome position (GRCh38, 1-based): chr15:90,749,838, G>C. VCF-style: chr15-90749838-G-C. GRCh37 (hg19) VCF-style: chr15-91293068-G-C.
Other names: c.570G>C, p.Lys190Asn (NM_001287246.2, NM_001287247.2); c.-722G>C (NM_001287248.2); short protein forms K190N.
Identifiers: ClinVar variation 2586901 (VCV002586901.3), dbSNP rs2151147630, ClinGen allele CA393841074.

ClinVar aggregate classification (germline): Uncertain significance. Review status: criteria provided, multiple submitters, no conflicts (2 of 4 stars). 2 submissions from 2 submitters: Uncertain significance (2). Last evaluated 2025-02-09.

Conditions:
Hereditary cancer-predisposing syndrome. Also called: Hereditary neoplastic syndrome; Tumor predisposition; Hereditary Cancer Syndrome; Neoplastic Syndromes, Hereditary. Identifiers: Orphanet 140162, MedGen C0027672, MeSH D009386, MONDO:0015356.
Bloom syndrome (BLM). Also called: Bloom-Torre-Machacek syndrome. Identifiers: Orphanet 125, MedGen C0005859, MONDO:0008876, OMIM 210900.

Submissions (2):

Labcorp Genetics (formerly Invitae), Labcorp
Classification: Uncertain significance for Bloom syndrome. Last evaluated: 2025-02-09. Review status: criteria provided, single submitter. Criteria: Invitae Variant Classification Sherloc (09022015). Collection method: clinical testing. Allele origin: germline.
Comment: This sequence change replaces lysine, which is basic and polar, with asparagine, which is neutral and polar, at codon 190 of the BLM protein (p.Lys190Asn). This variant is not present in population databases (gnomAD no frequency). This variant has not been reported in the literature in individuals affected with BLM-related conditions. ClinVar contains an entry for this variant (Variation ID: 2586901). An algorithm developed to predict the effect of missense changes on protein structure and function outputs the following: PolyPhen-2: "Benign". The asparagine amino acid residue is found in multiple mammalian species, which suggests that this missense change does not adversely affect protein function. In summary, the available evidence is currently insufficient to determine the role of this variant in disease. Therefore, it has been classified as a Variant of Uncertain Significance.

Ambry Genetics
Classification: Uncertain significance for Hereditary cancer-predisposing syndrome. Last evaluated: 2023-08-30. Review status: criteria provided, single submitter. Criteria: Ambry Variant Classification Scheme 2023. Collection method: clinical testing. Allele origin: germline.
Comment: The p.K190N variant (also known as c.570G>C), located in coding exon 2 of the BLM gene, results from a G to C substitution at nucleotide position 570. The lysine at codon 190 is replaced by asparagine, an amino acid with similar properties. This amino acid position is conserved. In addition, this alteration is predicted to be tolerated by in silico analysis. Since supporting evidence is limited at this time, the clinical significance of this alteration remains unclear.